The following is an entry in ClinVar:

NM_000135.4(FANCA):c.1594G>C (p.Glu532Gln)

Gene: FANCA (FA complementation group A; minus strand). Cytogenetic location: 16q24.3.
Variant type: single nucleotide variant.
Coding change: c.1594G>C on transcript NM_000135.4 (MANE Select); coding-DNA position 1594, G replaced by C.
Protein change: p.Glu532Gln; replaces glutamic acid 532 with glutamine.
Molecular consequence: missense variant.
Genome position (GRCh38, 1-based): chr16:89,782,891, C>G on the plus strand (G>C on the coding strand, the complement: FANCA is on the minus strand). VCF-style: chr16-89782891-C-G. GRCh37 (hg19) VCF-style: chr16-89849299-C-G.
Other names: c.1594G>C (NM_000135.2); c.1594G>C, p.Glu532Gln (NM_001286167.3); short protein forms E532Q.
Identifiers: ClinVar variation 1382578 (VCV001382578.7), dbSNP rs374490484, ClinGen allele CA397457978.

ClinVar aggregate classification (germline): Uncertain significance. Review status: criteria provided, multiple submitters, no conflicts (2 of 4 stars). 3 submissions from 3 submitters: Uncertain significance (3). Last evaluated 2024-11-26.

Conditions:
Inborn genetic diseases. Identifiers: MedGen C0950123, MeSH D030342.
Fanconi anemia complementation group A (FANCA). Also called: FANCA-Related Fanconi Anemia; Fanconi anemia, group A. Identifiers: Orphanet 84, MedGen C3469521, MONDO:0009215, OMIM 227650.
Fanconi anemia (FA). Also called: Fanconi's anemia. Identifiers: Orphanet 84, MedGen C0015625, MeSH D005199, MONDO:0019391.

gnomAD v4.1: 1 of 1,614,098 alleles (0.000062%); highest among the groups gnomAD compares: Non-Finnish European, 0.000085%; no homozygotes.

Submissions (3):

Ambry Genetics
Classification: Uncertain significance for Inborn genetic diseases. Last evaluated: 2024-11-26. Review status: criteria provided, single submitter. Criteria: Ambry Variant Classification Scheme 2023. Collection method: clinical testing. Allele origin: germline.
Comment: The p.E532Q variant (also known as c.1594G>C), located in coding exon 17 of the FANCA gene, results from a G to C substitution at nucleotide position 1594. The glutamic acid at codon 532 is replaced by glutamine, an amino acid with highly similar properties. This amino acid position is conserved. In addition, the in silico prediction for this alteration is inconclusive. Based on the available evidence, the clinical significance of this variant remains unclear.

Labcorp Genetics (formerly Invitae), Labcorp
Classification: Uncertain significance for Fanconi anemia. Last evaluated: 2022-08-23. Review status: criteria provided, single submitter. Criteria: Invitae Variant Classification Sherloc (09022015). Collection method: clinical testing. Allele origin: germline.
Comment: This sequence change replaces glutamic acid, which is acidic and polar, with glutamine, which is neutral and polar, at codon 532 of the FANCA protein (p.Glu532Gln). This variant is not present in population databases (gnomAD no frequency). This variant has not been reported in the literature in individuals affected with FANCA-related conditions. ClinVar contains an entry for this variant (Variation ID: 1382578). Algorithms developed to predict the effect of missense changes on protein structure and function are either unavailable or do not agree on the potential impact of this missense change (SIFT: "Tolerated"; PolyPhen-2: "Possibly Damaging"; Align-GVGD: "Class C0"). In summary, the available evidence is currently insufficient to determine the role of this variant in disease. Therefore, it has been classified as a Variant of Uncertain Significance.

Fulgent Genetics
Classification: Uncertain significance for Fanconi anemia complementation group A. Last evaluated: 2022-03-17. Review status: criteria provided, single submitter. Criteria: ACMG Guidelines, 2015. Collection method: clinical testing. Allele origin: unknown.